The following is an entry in ClinVar:

ClinVar aggregate classification (germline): Likely pathogenic (1 of 4 stars; one submission).

Conditions:
Deficiency of alpha-mannosidase (MANSA). Also called: Mannosidosis, alpha-, types I and II; Alpha-Mannosidosis; LYSOSOMAL ALPHA-D-MANNOSIDASE DEFICIENCY. Identifiers: Orphanet 61, MedGen C0024748, MONDO:0009561, OMIM 248500.

Submission:

Myriad Genetics, Inc.
Classification: Likely pathogenic for Deficiency of alpha-mannosidase. Last evaluated: 2019-12-18. Review status: criteria provided, single submitter. Criteria: Myriad Women's Health Autosomal Recessive and X-Linked Classification Criteria (2019). Collection method: clinical testing. Allele origin: unknown.
Comment: NM_000528.3(MAN2B1):c.2025G>A(W675*) is expected to be pathogenic in the context of alpha-mannosidosis. This variant is predicted to lead to an abnormal or absent protein product due to the creation of a premature termination codon in MAN2B1, a gene where loss-of-function variants are known to be pathogenic. Please note: this variant was assessed in the context of healthy population screening.

NM_000528.4(MAN2B1):c.2025G>A (p.Trp675Ter)

Gene: MAN2B1 (mannosidase alpha class 2B member 1; minus strand). Cytogenetic location: 19p13.13.
Variant type: single nucleotide variant.
Coding change: c.2025G>A on transcript NM_000528.4 (MANE Select); coding-DNA position 2025, G replaced by A.
Protein change: p.Trp675Ter; replaces tryptophan 675 with a stop codon.
Molecular consequence: nonsense.
Genome position (GRCh38, 1-based): chr19:12,652,174, C>T on the plus strand (G>A on the coding strand, the complement: MAN2B1 is on the minus strand). VCF-style: chr19-12652174-C-T. GRCh37 (hg19) VCF-style: chr19-12762988-C-T.
Other names: c.2022G>A, p.Trp674Ter (NM_001173498.2); short protein forms W674*, W675*.
Identifiers: ClinVar variation 984117 (VCV000984117.3), dbSNP rs2023852354, ClinGen allele CA404243969.